The following is an entry in ClinVar:

ClinVar aggregate classification (germline): Uncertain significance (1 of 4 stars; one submission).

Conditions:
Dilated cardiomyopathy 1W (CMD1W). Identifiers: Orphanet 154, MedGen C1969639, MONDO:0012667, OMIM 611407.

gnomAD v4.1: 1 of 1,614,134 alleles (0.000062%); highest among the groups gnomAD compares: Admixed American, 0.0017%; no homozygotes.

Submission:

Labcorp Genetics (formerly Invitae), Labcorp
Classification: Uncertain significance for Dilated cardiomyopathy 1W. Last evaluated: 2022-03-20. Review status: criteria provided, single submitter. Criteria: Invitae Variant Classification Sherloc (09022015). Collection method: clinical testing. Allele origin: germline.
Comment: This sequence change replaces glycine, which is neutral and non-polar, with alanine, which is neutral and non-polar, at codon 752 of the VCL protein (p.Gly752Ala). This variant is not present in population databases (gnomAD no frequency). This variant has not been reported in the literature in individuals affected with VCL-related conditions. Algorithms developed to predict the effect of missense changes on protein structure and function are either unavailable or do not agree on the potential impact of this missense change (SIFT: "Not Available"; PolyPhen-2: "Probably Damaging"; Align-GVGD: "Not Available"). In summary, the available evidence is currently insufficient to determine the role of this variant in disease. Therefore, it has been classified as a Variant of Uncertain Significance.

NM_014000.3(VCL):c.2255G>C (p.Gly752Ala)

Gene: VCL (vinculin; plus strand). Cytogenetic location: 10q22.2.
Variant type: single nucleotide variant.
Coding change: c.2255G>C on transcript NM_014000.3 (MANE Select); coding-DNA position 2255, G replaced by C.
Protein change: p.Gly752Ala; replaces glycine 752 with alanine.
Molecular consequence: missense variant.
Genome position (GRCh38, 1-based): chr10:74,105,174, G>C. VCF-style: chr10-74105174-G-C. GRCh37 (hg19) VCF-style: chr10-75864932-G-C.
Other names: c.2255G>C, p.Gly752Ala (NM_003373.4); short protein forms G752A.
Identifiers: ClinVar variation 1911535 (VCV001911535.5), dbSNP rs2131928418, ClinGen allele CA377262271.